The following is an entry in ClinVar:

ClinVar aggregate classification (germline): Uncertain significance. Review status: criteria provided, multiple submitters, no conflicts (2 of 4 stars). 2 submissions from 2 submitters: Uncertain significance (2). Last evaluated 2025-08-12.

Conditions:
Hereditary cancer-predisposing syndrome. Also called: Tumor predisposition; Hereditary Cancer Syndrome; Neoplastic Syndromes, Hereditary; Hereditary neoplastic syndrome. Identifiers: Orphanet 140162, MedGen C0027672, MeSH D009386, MONDO:0015356.
Rhabdoid tumor predisposition syndrome 2 (RTPS2). Identifiers: Orphanet 231108, Orphanet 69077, MedGen C2750074, MONDO:0013224, OMIM 613325.

Submissions (2):

Ambry Genetics
Classification: Uncertain significance for Hereditary cancer-predisposing syndrome. Last evaluated: 2025-08-12. Review status: criteria provided, single submitter. Criteria: Ambry Variant Classification Scheme 2023. Collection method: clinical testing. Allele origin: germline.
Comment: The p.M1000V variant (also known as c.2998A>G), located in coding exon 20 of the SMARCA4 gene, results from an A to G substitution at nucleotide position 2998. The methionine at codon 1000 is replaced by valine, an amino acid with highly similar properties. This amino acid position is highly conserved in available vertebrate species. In addition, this alteration is predicted to be deleterious by in silico analysis. Based on the available evidence, the clinical significance of this variant remains unclear.

Labcorp Genetics (formerly Invitae), Labcorp
Classification: Uncertain significance for Rhabdoid tumor predisposition syndrome 2. Last evaluated: 2023-04-28. Review status: criteria provided, single submitter. Criteria: Invitae Variant Classification Sherloc (09022015). Collection method: clinical testing. Allele origin: germline.
Comment: In summary, the available evidence is currently insufficient to determine the role of this variant in disease. Therefore, it has been classified as a Variant of Uncertain Significance. Advanced modeling of protein sequence and biophysical properties (such as structural, functional, and spatial information, amino acid conservation, physicochemical variation, residue mobility, and thermodynamic stability) performed at Invitae indicates that this missense variant is expected to disrupt SMARCA4 protein function. ClinVar contains an entry for this variant (Variation ID: 822479). This variant has not been reported in the literature in individuals affected with SMARCA4-related conditions. This variant is not present in population databases (gnomAD no frequency). This sequence change replaces methionine, which is neutral and non-polar, with valine, which is neutral and non-polar, at codon 1000 of the SMARCA4 protein (p.Met1000Val).

NM_003072.5(SMARCA4):c.2998A>G (p.Met1000Val)

Gene: SMARCA4 (SWI/SNF related BAF chromatin remodeling complex subunit ATPase 4; plus strand). Cytogenetic location: 19p13.2.
Variant type: single nucleotide variant.
Coding change: c.2998A>G on transcript NM_003072.5 (MANE Select); coding-DNA position 2998, A replaced by G.
Protein change: p.Met1000Val; replaces methionine 1000 with valine.
Molecular consequence: missense variant. On other transcripts: non-coding transcript variant (1).
Genome position (GRCh38, 1-based): chr19:11,024,355, A>G. VCF-style: chr19-11024355-A-G. GRCh37 (hg19) VCF-style: chr19-11135031-A-G.
Other names: c.2998A>G, p.Met1000Val (NM_001128847.4, NM_001128848.2, NM_001128849.3 and 4 more transcripts); short protein forms M1000V.
Identifiers: ClinVar variation 822479 (VCV000822479.13), dbSNP rs1600300787, ClinGen allele CA404058857.
Genomic context (GRCh38, chr19:11,024,355, plus strand): 5'-CCTTGGGCCCTCGTGAGCATTATGTGTCCCCTGCAGGTGGAGTACGTCATCAAGTGCGAC[A>G]TGTCTGCGCTGCAGCGAGTGCTCTACCGCCACATGCAGGCCAAGGGCGTGCTGCTGACTG-3'
Protein context (NP_003063.2, residues 990-1010): EKVEYVIKCD[Met1000Val]SALQRVLYRH